The following is an entry in ClinVar:

NM_020964.3(EPG5):c.4738A>G (p.Thr1580Ala)

Gene: EPG5 (ectopic P-granules 5 autophagy tethering factor; minus strand). Cytogenetic location: 18q12.3.
Variant type: single nucleotide variant.
Coding change: c.4738A>G on transcript NM_020964.3 (MANE Select); coding-DNA position 4738, A replaced by G.
Protein change: p.Thr1580Ala; replaces threonine 1580 with alanine.
Molecular consequence: missense variant.
Genome position (GRCh38, 1-based): chr18:45,899,475, T>C on the plus strand (A>G on the coding strand, the complement: EPG5 is on the minus strand). VCF-style: chr18-45899475-T-C. GRCh37 (hg19) VCF-style: chr18-43479440-T-C.
Other names: short protein forms T1580A.
Identifiers: ClinVar variation 1358869 (VCV001358869.7), dbSNP rs553484474, ClinGen allele CA8948765.

ClinVar aggregate classification (germline): Uncertain significance (1 of 4 stars; one submission).

Conditions:
Vici syndrome (VICIS). Identifiers: Orphanet 1493, MedGen C1855772, MONDO:0009452, OMIM 242840.

Allele frequency attached by ClinVar (database versions not stated): gnomAD exomes below 0.00001; TOPMed below 0.00001; ExAC 0.00001; gnomAD 0.00001; 1000 Genomes Project 0.00020; 1000 Genomes Project 30x 0.00031.
gnomAD v4.1: 5 of 1,614,226 alleles (0.00031%); highest among the groups gnomAD compares: East Asian, 0.0067%; no homozygotes.

Submission:

Labcorp Genetics (formerly Invitae), Labcorp
Classification: Uncertain significance for Vici syndrome. Last evaluated: 2025-06-05. Review status: criteria provided, single submitter. Criteria: Invitae Variant Classification Sherloc (09022015). Collection method: clinical testing. Allele origin: germline.
Comment: This sequence change replaces threonine, which is neutral and polar, with alanine, which is neutral and non-polar, at codon 1580 of the EPG5 protein (p.Thr1580Ala). This variant is present in population databases (rs553484474, gnomAD 0.005%). This variant has not been reported in the literature in individuals affected with EPG5-related conditions. ClinVar contains an entry for this variant (Variation ID: 1358869). Invitae Evidence Modeling of protein sequence and biophysical properties (such as structural, functional, and spatial information, amino acid conservation, physicochemical variation, residue mobility, and thermodynamic stability) indicates that this missense variant is not expected to disrupt EPG5 protein function with a negative predictive value of 80%. In summary, the available evidence is currently insufficient to determine the role of this variant in disease. Therefore, it has been classified as a Variant of Uncertain Significance.